The following is an entry in ClinVar:

NM_000038.6(APC):c.3708A>G (p.Ala1236=)

Gene: APC (APC regulator of Wnt signaling pathway; plus strand). Cytogenetic location: 5q22.2.
Variant type: single nucleotide variant.
Coding change: c.3708A>G on transcript NM_000038.6 (MANE Select); coding-DNA position 3708, A replaced by G.
Protein change: p.Ala1236=; no amino-acid change (alanine 1236 retained).
Molecular consequence: synonymous variant.
Genome position (GRCh38, 1-based): chr5:112,839,302, A>G. VCF-style: chr5-112839302-A-G. GRCh37 (hg19) VCF-style: chr5-112174999-A-G.
Other names: c.3708A>G, p.Ala1236= (NM_001127510.3, NM_001354895.2); c.3654A>G, p.Ala1218= (NM_001127511.3); c.3762A>G, p.Ala1254= (NM_001354896.2); c.3738A>G, p.Ala1246= (NM_001354897.2); c.3633A>G, p.Ala1211= (NM_001354898.2); c.3624A>G, p.Ala1208= (NM_001354899.2); c.3585A>G, p.Ala1195= (NM_001354900.2); c.3531A>G, p.Ala1177= (NM_001354901.2); and 5 more.
Identifiers: ClinVar variation 220908 (VCV000220908.17), dbSNP rs864622694, ClinGen allele CA348492.

ClinVar aggregate classification (germline): Benign/Likely benign. Review status: criteria provided, multiple submitters, no conflicts (2 of 4 stars). 5 submissions from 5 submitters: Benign (1); Likely benign (4). Last evaluated 2025-07-30.

Conditions:
Hereditary cancer-predisposing syndrome. Also called: Hereditary neoplastic syndrome; Tumor predisposition; Hereditary Cancer Syndrome; Neoplastic Syndromes, Hereditary. Identifiers: Orphanet 140162, MedGen C0027672, MeSH D009386, MONDO:0015356.
Familial adenomatous polyposis 1 (FAP1). Also called: FAMILIAL ADENOMATOUS POLYPOSIS 1, ATTENUATED; POLYPOSIS, ADENOMATOUS INTESTINAL. Identifiers: MedGen C2713442, MONDO:0021056, OMIM 175100. Disease mechanism: loss of function.

Allele frequency attached by ClinVar (database versions not stated): gnomAD exomes below 0.00001; gnomAD 0.00001; TOPMed 0.00001.
gnomAD v4.1: 5 of 1,614,076 alleles (0.00031%); highest among the groups gnomAD compares: Non-Finnish European, 0.00042%; no homozygotes.

Submissions (5):

Labcorp Genetics (formerly Invitae), Labcorp
Classification: Likely benign for Familial adenomatous polyposis 1. Last evaluated: 2025-07-30. Review status: criteria provided, single submitter. Criteria: Invitae Variant Classification Sherloc (09022015). Collection method: clinical testing. Allele origin: germline.

Laboratory of Genetics, Children's Clinical University Hospital Latvia
Classification: Likely benign. Last evaluated: 2025-02-16. Review status: criteria provided, single submitter. Criteria: ACMG Guidelines, 2015. Collection method: clinical testing. Allele origin: germline. Affected: yes.

Myriad Genetics, Inc.
Classification: Benign for Familial adenomatous polyposis 1. Last evaluated: 2024-03-22. Review status: criteria provided, single submitter. Criteria: Myriad Autosomal Dominant, Autosomal Recessive and X-Linked Classification Criteria (2023). Collection method: clinical testing. Allele origin: unknown.
Comment: This variant is considered benign. This variant is a silent/synonymous amino acid change and it is not expected to impact splicing.

Color Diagnostics, LLC DBA Color Health
Classification: Likely benign for Hereditary cancer-predisposing syndrome. Last evaluated: 2020-01-02. Review status: criteria provided, single submitter. Criteria: ACMG Guidelines, 2015. Collection method: clinical testing. Allele origin: germline.

Ambry Genetics
Classification: Likely benign for Hereditary cancer-predisposing syndrome. Last evaluated: 2016-05-18. Review status: criteria provided, single submitter. Criteria: Ambry Variant Classification Scheme 2023. Collection method: clinical testing. Allele origin: germline.